The following is an entry in ClinVar:

NM_001023570.4(IQCB1):c.825_828del (p.Arg275fs)

Gene: IQCB1 (IQ motif containing B1; minus strand). Cytogenetic location: 3q13.33.
Variant type: Deletion.
Coding change: c.825_828del on transcript NM_001023570.4 (MANE Select); coding-DNA positions 825 to 828, 4 bases deleted (ACAG; older notation c.825_828delACAG).
Protein change: p.Arg275fs; shifts the reading frame from arginine 275.
Molecular consequence: frameshift variant. On other transcripts: non-coding transcript variant (1), intron variant (1).
Genome position (GRCh38, 1-based): chr3:121,797,166-121,797,169, CTGT deleted on the plus strand (ACAG on the coding strand, the reverse complement: IQCB1 is on the minus strand); deleting any 4 consecutive bases within chr3:121,797,166-121,797,171 gives the same sequence; the c. name uses the placement nearest the transcript's 3' end. VCF-style (leftmost placement, unchanged base first): chr3-121797165-GCTGT-G. GRCh37 (hg19) VCF-style: chr3-121516012-GCTGT-G.
Other names: c.825_828delACAG (NM_001023570.3); c.825_828del (NM_001023570.2); c.825_828del, p.Arg275fs (NM_001319107.2); c.588-6954_588-6951del (NM_001023571.4); short protein forms R275fs.
Identifiers: ClinVar variation 1833 (VCV000001833.13), dbSNP rs1474058708, ClinGen allele CA354120617.

ClinVar aggregate classification (germline): Pathogenic. Review status: criteria provided, multiple submitters, no conflicts (2 of 4 stars). 5 submissions from 5 submitters: Pathogenic (3). 2 of the submissions do not count toward it. Last evaluated 2025-10-20.

Conditions:
IQCB1-related disorder. Also called: IQCB1-related condition.
Nephronophthisis. Also called: Juvenile Nephronophthisis. Identifiers: Orphanet 655, MedGen C0687120, MONDO:0019005, HP:0000090.
Senior-Loken syndrome 5 (SLSN5). Identifiers: Orphanet 3156, MedGen C1836517, MONDO:0012225, OMIM 609254.
Retinal disorder. Also called: Retinopathies; Retinal Diseases; Retinal disorders; Retinopathy. Identifiers: MedGen C0035309, MONDO:0005283, HP:0000488.

Submissions (5):

Genetics Laboratory, Great Ormond Street Hospital NHS Foundation Trust, North Thames Genomic Laboratory Hub
Classification: Pathogenic for Retinal disorders. Last evaluated: 2025-10-20. Review status: criteria provided, single submitter. Criteria: ACGS Best Practice Guidelines for Variant Classification in Rare Disease 2024 v1.2. Collection method: clinical testing. Allele origin: germline. Affected: yes.
Comment: PM2_moderate, PVS1_very-strong, PM3_moderate

Labcorp Genetics (formerly Invitae), Labcorp
Classification: Pathogenic for Nephronophthisis. Last evaluated: 2023-01-22. Review status: criteria provided, single submitter. Criteria: Invitae Variant Classification Sherloc (09022015). Collection method: clinical testing. Allele origin: germline.
Comment: ClinVar contains an entry for this variant (Variation ID: 1833). For these reasons, this variant has been classified as Pathogenic. This premature translational stop signal has been observed in individual(s) with Senior-Loken syndrome or Leber congenital amaurosis (PMID: 15723066, 20881296). This variant is present in population databases (no rsID available, gnomAD 0.004%). This sequence change creates a premature translational stop signal (p.Arg275Serfs*6) in the IQCB1 gene. It is expected to result in an absent or disrupted protein product. Loss-of-function variants in IQCB1 are known to be pathogenic (PMID: 15723066, 21901789, 23559409, 28041643).

Blueprint Genetics
Classification: Pathogenic for IQCB1-related disorders. Last evaluated: 2022-12-05. Review status: criteria provided, single submitter. Criteria: ACMG Guidelines, 2015. Collection method: clinical testing. Allele origin: germline. Affected: yes. Observed: 2 variant alleles.

PreventionGenetics, part of Exact Sciences
Classification: Pathogenic for IQCB1-related condition. Last evaluated: 2024-05-21. Review status: no assertion criteria provided. Collection method: clinical testing. Allele origin: germline. Not counted in ClinVar's aggregate classification.
Comment: The IQCB1 c.825_828delACAG variant is predicted to result in a frameshift and premature protein termination (p.Arg275Serfs*6). This variant has been reported to be causative for Senior-Loken Syndrome 5 (Otto et al 2005. PubMed ID: 15723066). This variant is reported in 0.0040% of alleles in individuals of African descent in gnomAD. Frameshift variants in IQCB1 are expected to be pathogenic. This variant is interpreted as pathogenic.

OMIM
Classification: Pathogenic for SENIOR-LOKEN SYNDROME 5. Last evaluated: 2005-03-01. Review status: no assertion criteria provided. Collection method: literature only. Allele origin: germline. Not counted in ClinVar's aggregate classification.

Literature cited by the submitters: PubMed 15723066 (cited by Labcorp Genetics (formerly Invitae), Labcorp and OMIM); PubMed 20881296 (cited by Labcorp Genetics (formerly Invitae), Labcorp); PubMed 21901789 (cited by Labcorp Genetics (formerly Invitae), Labcorp); PubMed 23559409 (cited by Labcorp Genetics (formerly Invitae), Labcorp); PubMed 28041643 (cited by Labcorp Genetics (formerly Invitae), Labcorp).